The following is an entry in ClinVar:

ClinVar aggregate classification (germline): Uncertain significance. Review status: criteria provided, multiple submitters, no conflicts (2 of 4 stars). 2 submissions from 2 submitters: Uncertain significance (2). Last evaluated 2025-01-27.

Conditions:
Hereditary cancer-predisposing syndrome. Also called: Tumor predisposition; Hereditary neoplastic syndrome; Hereditary Cancer Syndrome; Neoplastic Syndromes, Hereditary. Identifiers: Orphanet 140162, MedGen C0027672, MeSH D009386, MONDO:0015356.
EGFR-related lung cancer (EGFR). Identifiers: MedGen CN130014.

Allele frequency attached by ClinVar (database versions not stated): TOPMed 0.00001.

Submissions (2):

Ambry Genetics
Classification: Uncertain significance for Hereditary cancer-predisposing syndrome. Last evaluated: 2025-01-27. Review status: criteria provided, single submitter. Criteria: Ambry Variant Classification Scheme 2023. Collection method: clinical testing. Allele origin: germline.
Comment: The p.P919T variant (also known as c.2755C>A), located in coding exon 23 of the EGFR gene, results from a C to A substitution at nucleotide position 2755. The proline at codon 919 is replaced by threonine, an amino acid with highly similar properties. This amino acid position is highly conserved in available vertebrate species. In addition, the in silico prediction for this alteration is inconclusive. Based on the available evidence, the clinical significance of this variant remains unclear.

Labcorp Genetics (formerly Invitae), Labcorp
Classification: Uncertain significance for EGFR-related lung cancer. Last evaluated: 2021-10-31. Review status: criteria provided, single submitter. Criteria: Invitae Variant Classification Sherloc (09022015). Collection method: clinical testing. Allele origin: germline.
Comment: In summary, the available evidence is currently insufficient to determine the role of this variant in disease. Therefore, it has been classified as a Variant of Uncertain Significance. Algorithms developed to predict the effect of missense changes on protein structure and function are either unavailable or do not agree on the potential impact of this missense change (SIFT: "Deleterious"; PolyPhen-2: "Probably Damaging"; Align-GVGD: "Class C0"). This sequence change replaces proline, which is neutral and non-polar, with threonine, which is neutral and polar, at codon 919 of the EGFR protein (p.Pro919Thr). This variant is not present in population databases (gnomAD no frequency). This variant has not been reported in the literature in individuals affected with EGFR-related conditions. ClinVar contains an entry for this variant (Variation ID: 1051369).

NM_005228.5(EGFR):c.2755C>A (p.Pro919Thr)

Gene: EGFR (epidermal growth factor receptor; plus strand). Cytogenetic location: 7p11.2.
Variant type: single nucleotide variant.
Coding change: c.2755C>A on transcript NM_005228.5 (MANE Select); coding-DNA position 2755, C replaced by A.
Protein change: p.Pro919Thr; replaces proline 919 with threonine.
Molecular consequence: missense variant.
Genome position (GRCh38, 1-based): chr7:55,198,770, C>A. VCF-style: chr7-55198770-C-A. GRCh37 (hg19) VCF-style: chr7-55266463-C-A.
Other names: c.2620C>A, p.Pro874Thr (NM_001346897.2, NM_001346899.2); c.2755C>A, p.Pro919Thr (NM_001346898.2); c.2596C>A, p.Pro866Thr (NM_001346900.2); c.1954C>A, p.Pro652Thr (NM_001346941.2); c.2755C>A (NM_005228.3); short protein forms P652T, P866T, P874T, P919T.
Identifiers: ClinVar variation 1051369 (VCV001051369.8), dbSNP rs1390478413, ClinGen allele CA367581286.